The following is an entry in ClinVar:

NM_001142416.2(AIMP1):c.338dup (p.Gly115fs)

Gene: AIMP1 (aminoacyl tRNA synthetase complex interacting multifunctional protein 1; plus strand). Cytogenetic location: 4q24.
Variant type: Duplication.
Coding change: c.338dup on transcript NM_001142416.2 (MANE Select); coding-DNA position 338, one base duplicated (T; older notation c.338dupT).
Protein change: p.Gly115fs; shifts the reading frame from glycine 115.
Molecular consequence: frameshift variant.
Genome position (GRCh38, 1-based): chr4:106,328,190, T duplicated. VCF-style (leftmost placement, unchanged base first): chr4-106328189-A-AT. GRCh37 (hg19) VCF-style: chr4-107249346-A-AT.
Other names: c.338dup, p.Gly115fs (NM_001142415.2, NM_004757.4); short protein forms G115fs.
Identifiers: ClinVar variation 4884242 (VCV004884242.2).
Genomic context (GRCh38, chr4:106,328,189, plus strand): 5'-TCTGAAAATGTGATACAGTCTACAGCAGTAACAACCGTATCTTCTGGTACCAAAGAACAG[A>AT]TAAAAGGAGGAACAGGAGACGAAAAGAAAGCGAAAGAGAAAATTGAAAAGAAAGGTATTT-3'

ClinVar aggregate classification (germline): Likely pathogenic (1 of 4 stars; one submission).

Submission:

Dasa
Classification: Likely pathogenic. Last evaluated: 2025-05-26. Review status: criteria provided, single submitter. Criteria: DASA Assertion Criteria. Collection method: clinical testing. Allele origin: germline.
Comment: NM_001142416.2(AIMP1):c.338dup (p.Gly115Argfs*14) is a frameshift variant in AIMP1 predicted to alter the reading frame and introduce a premature termination codon and is predicted to result in an absent or altered protein product. Loss of function is an established disease mechanism for AIMP1-associated disorders. Also, this variant is rare in population databases. Based on the currently available evidence, this variant is classified as likely pathogenic.